The following is an entry in ClinVar:

ClinVar aggregate classification (germline): Likely pathogenic (1 of 4 stars; one submission).

Submission:

GeneDx
Classification: Likely pathogenic. Last evaluated: 2017-08-17. Review status: criteria provided, single submitter. Criteria: GeneDx Variant Classification (06012015). Collection method: clinical testing. Allele origin: germline. Affected: yes.
Comment: Although the c.1547delC likely pathogenic variant in the COL1A1 gene has not been reported to our knowledge, this variant causes a shift in reading frame starting at codon proline 516, changing it to a leucine, and creating a premature stop codon at position 25 of the new reading frame, denoted p.Pro516LeufsX25. This likely pathogenic variant is expected to result in either an abnormal, truncated protein product or loss of protein from this allele through nonsense-mediated mRNA decay. Other frameshift variants in the COL1A1 gene have been reported in Human Gene Mutation Database in association with OI type 1 (Stenson et al., 2014), indicating that loss of function is a mechanism of disease for this gene. Furthermore, the c.1547delC variant has not been observed in large population cohorts (Lek et al., 2016; 1000 Genomes Consortium et al., 2015; Exome Variant Server).

NM_000088.4(COL1A1):c.1547del (p.Pro516fs)

Gene: COL1A1 (collagen type I alpha 1 chain; minus strand). Cytogenetic location: 17q21.33.
Variant type: Deletion.
Coding change: c.1547del on transcript NM_000088.4 (MANE Select); coding-DNA position 1547, one base deleted (C; older notation c.1547delC).
Protein change: p.Pro516fs; shifts the reading frame from proline 516.
Molecular consequence: frameshift variant.
Genome position (GRCh38, 1-based): chr17:50,194,416, G deleted on the plus strand (C on the coding strand, the reverse complement: COL1A1 is on the minus strand); the first of 3 consecutive G bases (chr17:50,194,416-50,194,418); deleting any one gives the same sequence. VCF-style (leftmost placement, unchanged base first): chr17-50194415-AG-A. GRCh37 (hg19) VCF-style: chr17-48271776-AG-A.
Other names: c.1547delC (NM_000088.3); short protein forms P516fs.
Identifiers: ClinVar variation 451335 (VCV000451335.2), dbSNP rs1555573734, ClinGen allele CA658656712.
Genomic context (GRCh38, chr17:50,194,415, plus strand): 5'-ACCAGGCAGACCAGCTTCACCGGGACGACCAGCTTCACCAGGAGATCCTTTGGGGCCAGC[AG>A]GGCCAGGAGAACCACGTTCACCAGCGGGACCCTGGTTGGGGGAAGTCACAGGAACAGTTA-3'